The following is an entry in ClinVar:

ClinVar aggregate classification (germline): Uncertain significance. Review status: criteria provided, multiple submitters, no conflicts (2 of 4 stars). 2 submissions from 2 submitters: Uncertain significance (2). Last evaluated 2025-04-18.

Conditions:
Inborn genetic diseases. Identifiers: MedGen C0950123, MeSH D030342.

Allele frequency attached by ClinVar (database versions not stated): gnomAD exomes below 0.00001.
gnomAD v4.1: 1 of 1,611,160 alleles (0.000062%); highest among the groups gnomAD compares: Non-Finnish European, 0.000085%; no homozygotes.

Submissions (2):

Ambry Genetics
Classification: Uncertain significance for Inborn genetic diseases. Last evaluated: 2025-04-18. Review status: criteria provided, single submitter. Criteria: Ambry Variant Classification Scheme 2023. Collection method: clinical testing. Allele origin: germline.
Comment: The p.I1676M variant (also known as c.5028A>G), located in coding exon 34 of the ANKRD26 gene, results from an A to G substitution at nucleotide position 5028. The isoleucine at codon 1676 is replaced by methionine, an amino acid with highly similar properties. This amino acid position is conserved. In addition, this alteration is predicted to be tolerated by in silico analysis. Based on the available evidence, the clinical significance of this variant remains unclear.

Labcorp Genetics (formerly Invitae), Labcorp
Classification: Uncertain significance. Last evaluated: 2024-04-29. Review status: criteria provided, single submitter. Criteria: Invitae Variant Classification Sherloc (09022015). Collection method: clinical testing. Allele origin: germline.
Comment: This sequence change replaces isoleucine, which is neutral and non-polar, with methionine, which is neutral and non-polar, at codon 1676 of the ANKRD26 protein (p.Ile1676Met). This variant is not present in population databases (gnomAD no frequency). This variant has not been reported in the literature in individuals affected with ANKRD26-related conditions. An algorithm developed to predict the effect of missense changes on protein structure and function (PolyPhen-2) suggests that this variant is likely to be tolerated. In summary, the available evidence is currently insufficient to determine the role of this variant in disease. Therefore, it has been classified as a Variant of Uncertain Significance.

NM_014915.3(ANKRD26):c.5028A>G (p.Ile1676Met)

Gene: ANKRD26 (ankyrin repeat domain 26; minus strand). Cytogenetic location: 10p12.1.
Variant type: single nucleotide variant.
Coding change: c.5028A>G on transcript NM_014915.3 (MANE Select); coding-DNA position 5028, A replaced by G.
Protein change: p.Ile1676Met; replaces isoleucine 1676 with methionine.
Molecular consequence: missense variant.
Genome position (GRCh38, 1-based): chr10:27,005,695, T>C on the plus strand (A>G on the coding strand, the complement: ANKRD26 is on the minus strand). VCF-style: chr10-27005695-T-C. GRCh37 (hg19) VCF-style: chr10-27294624-T-C.
Other names: c.5025A>G, p.Ile1675Met (NM_001256053.2); short protein forms I1675M, I1676M.
Identifiers: ClinVar variation 3022122 (VCV003022122.4), dbSNP rs2538457687, ClinGen allele CA376352780.
Genomic context (GRCh38, chr10:27,005,695, plus strand): 5'-TGCTTTCCAAACTAGATCTTGATTTAGATTTGACTCATCAGTAGACCCTAGAGGGGAAGC[T>C]ATTGATCCAGATTCCAATTCAGCAGCAGCTAGAATGAAAAAGAAAGAATTATATTCCTTA-3'
Protein context (NP_055730.2, residues 1666-1686): EAAAELESGS[Ile1676Met]ASPLGSTDES